The following is an entry in ClinVar:

ClinVar aggregate classification (germline): Uncertain significance. Review status: criteria provided, multiple submitters, no conflicts (2 of 4 stars). 2 submissions from 2 submitters: Uncertain significance (2). Last evaluated 2021-08-27.

Allele frequency attached by ClinVar (database versions not stated): gnomAD 0.00001; gnomAD exomes 0.00001; TOPMed 0.00001.
gnomAD v4.1: 4 of 1,580,426 alleles (0.00025%); highest among the groups gnomAD compares: African/African-American, 0.0013%; no homozygotes.

Submissions (2):

Labcorp Genetics (formerly Invitae), Labcorp
Classification: Uncertain significance. Last evaluated: 2021-08-27. Review status: criteria provided, single submitter. Criteria: Invitae Variant Classification Sherloc (09022015). Collection method: clinical testing. Allele origin: germline.
Comment: This sequence change replaces glycine with alanine at codon 1355 of the HSPG2 protein (p.Gly1355Ala). The glycine residue is moderately conserved and there is a small physicochemical difference between glycine and alanine. This variant is not present in population databases (ExAC no frequency). This variant has not been reported in the literature in individuals affected with HSPG2-related conditions. Algorithms developed to predict the effect of missense changes on protein structure and function (SIFT, PolyPhen-2, Align-GVGD) all suggest that this variant is likely to be tolerated. In summary, the available evidence is currently insufficient to determine the role of this variant in disease. Therefore, it has been classified as a Variant of Uncertain Significance.

Revvity Omics, Revvity
Classification: Uncertain significance. Last evaluated: 2019-10-04. Review status: criteria provided, single submitter. Criteria: ACMG Guidelines, 2015. Collection method: clinical testing. Allele origin: germline.

NM_005529.7(HSPG2):c.4064G>C (p.Gly1355Ala)

Gene: HSPG2 (heparan sulfate proteoglycan 2; minus strand). Cytogenetic location: 1p36.12.
Variant type: single nucleotide variant.
Coding change: c.4064G>C on transcript NM_005529.7 (MANE Select); coding-DNA position 4064, G replaced by C.
Protein change: p.Gly1355Ala; replaces glycine 1355 with alanine.
Molecular consequence: missense variant.
Genome position (GRCh38, 1-based): chr1:21,872,343, C>G on the plus strand (G>C on the coding strand, the complement: HSPG2 is on the minus strand). VCF-style: chr1-21872343-C-G. GRCh37 (hg19) VCF-style: chr1-22198836-C-G.
Other names: c.4067G>C, p.Gly1356Ala (NM_001291860.2); c.4064G>C (NM_005529.5); short protein forms G1355A, G1356A.
Identifiers: ClinVar variation 1026252 (VCV001026252.9), dbSNP rs1448153387, ClinGen allele CA338958646.